The following is an entry in ClinVar:

NM_013436.5(NCKAP1):c.885_886del (p.Phe296fs)

Gene: NCKAP1 (NCK associated protein 1; minus strand). Cytogenetic location: 2q32.1.
Variant type: Microsatellite.
Coding change: c.885_886del on transcript NM_013436.5 (MANE Select); coding-DNA positions 885 to 886, 2 bases deleted (CT; older notation c.885_886delCT).
Protein change: p.Phe296fs; shifts the reading frame from phenylalanine 296.
Molecular consequence: frameshift variant.
Genome position (GRCh38, 1-based): chr2:182,989,091-182,989,092, AG deleted on the plus strand (CT on the coding strand, the reverse complement: NCKAP1 is on the minus strand); deleting any 2 consecutive bases within chr2:182,989,091-182,989,100 gives the same sequence; the c. name uses the placement nearest the transcript's 3' end. VCF-style (leftmost placement, unchanged base first): chr2-182989090-AAG-A. GRCh37 (hg19) VCF-style: chr2-183853818-AAG-A.
Other names: c.879_880del, p.Phe294fs (NM_001437266.1); c.897_898del, p.Phe300fs (NM_001437267.1); c.903_904del, p.Phe302fs (NM_205842.3); short protein forms F294fs, F296fs, F300fs, F302fs.
Identifiers: ClinVar variation 4293564 (VCV004293564.1).

ClinVar aggregate classification (germline): Likely pathogenic (1 of 4 stars; one submission).

Conditions:
NCKAP1-related neurodevelopmental disorder with autism features.

Submission:

3billion
Classification: Likely pathogenic for NCKAP1-related neurodevelopmental disorder with autism features. Last evaluated: 2024-11-09. Review status: criteria provided, single submitter. Criteria: ACMG Guidelines, 2015. Collection method: clinical testing. Allele origin: germline. Affected: yes.
Comment: The variant is not observed in the gnomAD v4.1.0 dataset. Predicted Consequence/Location: Frameshift: predicted to result in a loss or disruption of normal protein function through nonsense-mediated decay (NMD) or protein truncation. Therefore, this variant is classified as Likely pathogenic according to the recommendation of ACMG/AMP guideline.